The following is an entry in ClinVar:

NM_002582.4(PARN):c.1427T>C (p.Ile476Thr)

Gene: PARN (poly(A)-specific ribonuclease; minus strand). Cytogenetic location: 16p13.12.
Variant type: single nucleotide variant.
Coding change: c.1427T>C on transcript NM_002582.4 (MANE Select); coding-DNA position 1427, T replaced by C.
Protein change: p.Ile476Thr; replaces isoleucine 476 with threonine.
Molecular consequence: missense variant.
Genome position (GRCh38, 1-based): chr16:14,552,074, A>G on the plus strand (T>C on the coding strand, the complement: PARN is on the minus strand). VCF-style: chr16-14552074-A-G. GRCh37 (hg19) VCF-style: chr16-14645931-A-G.
Other names: c.1244T>C, p.Ile415Thr (NM_001134477.3); c.1289T>C, p.Ile430Thr (NM_001242992.2); short protein forms I415T, I476T, I430T.
Identifiers: ClinVar variation 2931124 (VCV002931124.3), dbSNP rs1221390573, ClinGen allele CA394810424.

ClinVar aggregate classification (germline): Uncertain significance (1 of 4 stars; one submission).

Conditions:
Dyskeratosis congenita, autosomal recessive 6 (DKCB6). Identifiers: MedGen C4225356, MONDO:0014600, OMIM 616353.
Pulmonary fibrosis and/or bone marrow failure, Telomere-related, 4. Also called: PULMONARY FIBROSIS AND/OR BONE MARROW FAILURE SYNDROME, TELOMERE-RELATED, 4. Identifiers: Orphanet 2032, MedGen C4225347, MONDO:0014612, OMIM 616371.

Allele frequency attached by ClinVar (database versions not stated): gnomAD exomes below 0.00001; gnomAD 0.00001; TOPMed 0.00001.
gnomAD v4.1: 5 of 1,610,114 alleles (0.00031%); highest among the groups gnomAD compares: African/African-American, 0.0027%; no homozygotes.

Submission:

Labcorp Genetics (formerly Invitae), Labcorp
Classification: Uncertain significance for Dyskeratosis congenita, autosomal recessive 6; Pulmonary fibrosis and/or bone marrow failure, Telomere-related, 4. Last evaluated: 2024-09-02. Review status: criteria provided, single submitter. Criteria: Invitae Variant Classification Sherloc (09022015). Collection method: clinical testing. Allele origin: germline.
Comment: This sequence change replaces isoleucine, which is neutral and non-polar, with threonine, which is neutral and polar, at codon 476 of the PARN protein (p.Ile476Thr). The frequency data for this variant in the population databases is considered unreliable, as metrics indicate poor data quality at this position in the gnomAD database. This variant has not been reported in the literature in individuals affected with PARN-related conditions. Invitae Evidence Modeling of protein sequence and biophysical properties (such as structural, functional, and spatial information, amino acid conservation, physicochemical variation, residue mobility, and thermodynamic stability) indicates that this missense variant is not expected to disrupt PARN protein function with a negative predictive value of 80%. In summary, the available evidence is currently insufficient to determine the role of this variant in disease. Therefore, it has been classified as a Variant of Uncertain Significance.